The following is an entry in ClinVar:

NM_001378452.1(ITPR1):c.4466C>T (p.Thr1489Ile)

Gene: ITPR1 (inositol 1,4,5-trisphosphate receptor type 1; plus strand). Cytogenetic location: 3p26.1.
Variant type: single nucleotide variant.
Coding change: c.4466C>T on transcript NM_001378452.1 (MANE Select); coding-DNA position 4466, C replaced by T.
Protein change: p.Thr1489Ile; replaces threonine 1489 with isoleucine.
Molecular consequence: missense variant.
Genome position (GRCh38, 1-based): chr3:4,699,871, C>T. VCF-style: chr3-4699871-C-T. GRCh37 (hg19) VCF-style: chr3-4741555-C-T.
Other names: c.4439C>T, p.Thr1480Ile (NM_001099952.4); c.4421C>T, p.Thr1474Ile (NM_001168272.2); c.4394C>T, p.Thr1465Ile (NM_002222.7); short protein forms T1465I, T1474I, T1480I, T1489I.
Identifiers: ClinVar variation 1704041 (VCV001704041.2), dbSNP rs2469845349, ClinGen allele CA351633146.
Genomic context (GRCh38, chr3:4,699,871, plus strand): 5'-AGGCCTGTAACAACACTAGTGACAGGAAACATGCAGACTCGATTTTGGAGAAGTATGTCA[C>T]CGAAATCGTCATGAGTATTGTTACTACTTTCTTCAGCTCTCCCTTCTCAGACCAGAGTAC-3'
Protein context (NP_001365381.1, residues 1479-1499): HADSILEKYV[Thr1489Ile]EIVMSIVTTF

ClinVar aggregate classification (germline): Uncertain significance (1 of 4 stars; one submission).

Allele frequency attached by ClinVar (database versions not stated): gnomAD exomes below 0.00001.
gnomAD v4.1: 1 of 1,613,676 alleles (0.000062%); highest among the groups gnomAD compares: South Asian, 0.0011%; no homozygotes.

Submission:

GeneDx
Classification: Uncertain significance. Last evaluated: 2022-03-02. Review status: criteria provided, single submitter. Criteria: GeneDx Variant Classification Process June 2021. Collection method: clinical testing. Allele origin: germline. Affected: yes.
Comment: Not observed at significant frequency in large population cohorts (gnomAD); In silico analysis supports that this missense variant has a deleterious effect on protein structure/function; Has not been previously published as pathogenic or benign to our knowledge